The following is an entry in ClinVar:

NM_001367873.1(SOX6):c.1028G>T (p.Ser343Ile)

Gene: SOX6 (SRY-box transcription factor 6; minus strand). Cytogenetic location: 11p15.2.
Variant type: single nucleotide variant.
Coding change: c.1028G>T on transcript NM_001367873.1 (MANE Select); coding-DNA position 1028, G replaced by T.
Protein change: p.Ser343Ile; replaces serine 343 with isoleucine.
Molecular consequence: missense variant. On other transcripts: intron variant (3).
Genome position (GRCh38, 1-based): chr11:16,096,069, C>A on the plus strand (G>T on the coding strand, the complement: SOX6 is on the minus strand). VCF-style: chr11-16096069-C-A. GRCh37 (hg19) VCF-style: chr11-16117615-C-A.
Other names: c.1028G>T, p.Ser343Ile (NM_001145819.2, NM_033326.3); c.978+1540G>T (NM_001367872.1, NM_001145811.2, NM_017508.3); short protein forms S343I.
Identifiers: ClinVar variation 2409911 (VCV002409911.2), dbSNP rs148423045, ClinGen allele CA5898259.

ClinVar aggregate classification (germline): Uncertain significance (1 of 4 stars; one submission).

Conditions:
Inborn genetic diseases. Identifiers: MedGen C0950123, MeSH D030342.

Allele frequency attached by ClinVar (database versions not stated): gnomAD 0.00003; gnomAD exomes 0.00003; ESP Exome Variant Server 0.00008.
gnomAD v4.1: 50 of 1,611,330 alleles (0.0031%); highest among the groups gnomAD compares: Non-Finnish European, 0.0038%; no homozygotes.

Submission:

Ambry Genetics
Classification: Uncertain significance for Inborn genetic diseases. Last evaluated: 2020-12-21. Review status: criteria provided, single submitter. Criteria: Ambry Variant Classification Scheme 2023. Collection method: clinical testing. Allele origin: germline.
Comment: The c.1028G>T (p.S343I) alteration is located in exon 9 (coding exon 8) of the SOX6 gene. This alteration results from a G to T substitution at nucleotide position 1028, causing the serine (S) at amino acid position 343 to be replaced by an isoleucine (I). Based on data from the Genome Aggregation Database (gnomAD) database, the SOX6 c.1028G>T alteration was observed in 0.004% (10/251148) of total alleles studied, with a frequency of 0.01% (8/113650) in the European (non-Finnish) subpopulation. The p.S343 amino acid is conserved in available vertebrate species. The p.S343I alteration is predicted to be deleterious by in silico analysis. Based on insufficient or conflicting evidence, the clinical significance of this alteration remains unclear.